The following is an entry in ClinVar:

NM_000264.5(PTCH1):c.3328G>C (p.Asp1110His)

Gene: PTCH1 (patched 1; minus strand). Cytogenetic location: 9q22.32.
Variant type: single nucleotide variant.
Coding change: c.3328G>C on transcript NM_000264.5 (MANE Select); coding-DNA position 3328, G replaced by C.
Protein change: p.Asp1110His; replaces aspartic acid 1110 with histidine.
Molecular consequence: missense variant. On other transcripts: non-coding transcript variant (1).
Genome position (GRCh38, 1-based): chr9:95,453,599, C>G on the plus strand (G>C on the coding strand, the complement: PTCH1 is on the minus strand). VCF-style: chr9-95453599-C-G. GRCh37 (hg19) VCF-style: chr9-98215881-C-G.
Other names: c.3130G>C, p.Asp1044His (NM_001083602.3); c.3325G>C, p.Asp1109His (NM_001083603.3); c.2875G>C, p.Asp959His (NM_001083604.3, NM_001083605.3, NM_001083606.3 and 1 more transcripts); c.3172G>C, p.Asp1058His (NM_001354918.2); short protein forms D1110H, D1044H, D1058H, D1109H, D959H.
Identifiers: ClinVar variation 570133 (VCV000570133.11), dbSNP rs911494100, ClinGen allele CA374111895.

ClinVar aggregate classification (germline): Uncertain significance. Review status: criteria provided, multiple submitters, no conflicts (2 of 4 stars). 2 submissions from 2 submitters: Uncertain significance (2). Last evaluated 2025-05-20.

Conditions:
Gorlin syndrome. Also called: Nevoid Basal Cell Carcinoma Syndrome; Basal cell nevus syndrome. Identifiers: Orphanet 377, MedGen C0004779, MONDO:0007187.
Hereditary cancer-predisposing syndrome. Also called: Hereditary neoplastic syndrome; Neoplastic Syndromes, Hereditary; Hereditary Cancer Syndrome; Tumor predisposition. Identifiers: Orphanet 140162, MedGen C0027672, MeSH D009386, MONDO:0015356.

gnomAD v4.1: 6 of 1,613,848 alleles (0.00037%); highest among the groups gnomAD compares: Non-Finnish European, 0.00051%; no homozygotes.

Submissions (2):

Ambry Genetics
Classification: Uncertain significance for Hereditary cancer-predisposing syndrome. Last evaluated: 2025-05-20. Review status: criteria provided, single submitter. Criteria: Ambry Variant Classification Scheme 2023. Collection method: clinical testing. Allele origin: germline.
Comment: The p.D1110H variant (also known as c.3328G>C), located in coding exon 20 of the PTCH1 gene, results from a G to C substitution at nucleotide position 3328. The aspartic acid at codon 1110 is replaced by histidine, an amino acid with similar properties. This amino acid position is highly conserved in available vertebrate species. In addition, this alteration is predicted to be deleterious by in silico analysis. Based on the available evidence, the clinical significance of this variant remains unclear.

Labcorp Genetics (formerly Invitae), Labcorp
Classification: Uncertain significance for Gorlin syndrome. Last evaluated: 2021-08-13. Review status: criteria provided, single submitter. Criteria: Invitae Variant Classification Sherloc (09022015). Collection method: clinical testing. Allele origin: germline.
Comment: This sequence change replaces aspartic acid with histidine at codon 1110 of the PTCH1 protein (p.Asp1110His). The aspartic acid residue is moderately conserved and there is a moderate physicochemical difference between aspartic acid and histidine. This variant is not present in population databases (ExAC no frequency). This variant has not been reported in the literature in individuals affected with PTCH1-related conditions. Algorithms developed to predict the effect of missense changes on protein structure and function are either unavailable or do not agree on the potential impact of this missense change (SIFT: "Deleterious"; PolyPhen-2: "Probably Damaging"; Align-GVGD: "Class C0"). In summary, the available evidence is currently insufficient to determine the role of this variant in disease. Therefore, it has been classified as a Variant of Uncertain Significance.